The following is an entry in ClinVar:

NM_013336.4(SEC61A1):c.559A>T (p.Ile187Phe)

Gene: SEC61A1 (SEC61 translocon subunit alpha 1; plus strand). Cytogenetic location: 3q21.3.
Variant type: single nucleotide variant.
Coding change: c.559A>T on transcript NM_013336.4 (MANE Select); coding-DNA position 559, A replaced by T.
Protein change: p.Ile187Phe; replaces isoleucine 187 with phenylalanine.
Molecular consequence: missense variant.
Genome position (GRCh38, 1-based): chr3:128,060,604, A>T. VCF-style: chr3-128060604-A-T. GRCh37 (hg19) VCF-style: chr3-127779447-A-T.
Other names: short protein forms I187F.
Identifiers: ClinVar variation 1462166 (VCV001462166.6), dbSNP rs2107644492, ClinGen allele CA354395222.

ClinVar aggregate classification (germline): Uncertain significance (1 of 4 stars; one submission).

Submission:

Labcorp Genetics (formerly Invitae), Labcorp
Classification: Uncertain significance. Last evaluated: 2021-12-01. Review status: criteria provided, single submitter. Criteria: Invitae Variant Classification Sherloc (09022015). Collection method: clinical testing. Allele origin: germline.
Comment: This sequence change replaces isoleucine, which is neutral and non-polar, with phenylalanine, which is neutral and non-polar, at codon 187 of the SEC61A1 protein (p.Ile187Phe). This variant is not present in population databases (gnomAD no frequency). This variant has not been reported in the literature in individuals affected with SEC61A1-related conditions. Algorithms developed to predict the effect of missense changes on protein structure and function are either unavailable or do not agree on the potential impact of this missense change (SIFT: "Deleterious"; PolyPhen-2: "Benign"; Align-GVGD: "Class C15"). In summary, the available evidence is currently insufficient to determine the role of this variant in disease. Therefore, it has been classified as a Variant of Uncertain Significance.